The following is an entry in ClinVar:

NM_001395413.1(POR):c.808G>A (p.Glu270Lys)

Gene: POR (cytochrome p450 oxidoreductase; plus strand). Cytogenetic location: 7q11.23.
Variant type: single nucleotide variant.
Coding change: c.808G>A on transcript NM_001395413.1 (MANE Select); coding-DNA position 808, G replaced by A.
Protein change: p.Glu270Lys; replaces glutamic acid 270 with lysine.
Molecular consequence: missense variant.
Genome position (GRCh38, 1-based): chr7:75,982,309, G>A. VCF-style: chr7-75982309-G-A. GRCh37 (hg19) VCF-style: chr7-75611627-G-A.
Other names: c.817G>A, p.Glu273Lys (NM_000941.2, NM_000941.3); c.808G>A, p.Glu270Lys (NM_001367562.3, NM_001382657.2, NM_001382658.3 and 2 more transcripts); c.862G>A, p.Glu288Lys (NM_001382655.3); short protein forms E270K, E273K, E288K.
Identifiers: ClinVar variation 2028372 (VCV002028372.2), dbSNP rs781968173, ClinGen allele CA4303839.
Genomic context (GRCh38, chr7:75,982,309, plus strand): 5'-CACACCGACATAGATGCGGCCAAGGTGTACATGGGGGAGATGGGCCGGCTGAAGAGCTAC[G>A]AGAACCAGAAGCCGTGAGTGGAGGGAGCGTGGCTTGGGGCAGACGGCTCTATGGCCACTG-3'
Protein context (NP_001382342.1, residues 260-280): MGEMGRLKSY[Glu270Lys]NQKPPFDAKN

ClinVar aggregate classification (germline): Uncertain significance. Review status: criteria provided, multiple submitters, no conflicts (2 of 4 stars). 2 submissions from 2 submitters: Uncertain significance (2). Last evaluated 2022-01-11.

Conditions:
Congenital adrenal hyperplasia due to cytochrome P450 oxidoreductase deficiency. Also called: DISORDERED STEROIDOGENESIS DUE TO POR DEFICIENCY. Identifiers: Orphanet 95699, MedGen C1860042, MONDO:0013310, OMIM 613571.

Allele frequency attached by ClinVar (database versions not stated): gnomAD exomes 0.00002; ExAC 0.00004; TOPMed 0.00004; gnomAD 0.00005.
gnomAD v4.1: 38 of 1,611,592 alleles (0.0024%); highest among the groups gnomAD compares: African/African-American, 0.012%; no homozygotes.

Submissions (2):

Labcorp Genetics (formerly Invitae), Labcorp
Classification: Uncertain significance for Congenital adrenal hyperplasia due to cytochrome P450 oxidoreductase deficiency. Last evaluated: 2022-01-11. Review status: criteria provided, single submitter. Criteria: Invitae Variant Classification Sherloc (09022015). Collection method: clinical testing. Allele origin: germline.
Comment: This sequence change replaces glutamic acid, which is acidic and polar, with lysine, which is basic and polar, at codon 273 of the POR protein (p.Glu273Lys). This variant is present in population databases (rs781968173, gnomAD 0.01%). This variant has not been reported in the literature in individuals affected with POR-related conditions. Algorithms developed to predict the effect of missense changes on protein structure and function are either unavailable or do not agree on the potential impact of this missense change (SIFT: "Deleterious"; PolyPhen-2: "Benign"; Align-GVGD: "Class C0"). In summary, the available evidence is currently insufficient to determine the role of this variant in disease. Therefore, it has been classified as a Variant of Uncertain Significance.

Blueprint Genetics
Classification: Uncertain significance. Last evaluated: 2020-07-03. Review status: criteria provided, single submitter. Criteria: ACMG Guidelines, 2015. Collection method: clinical testing. Allele origin: germline.